The following is an entry in ClinVar:

NM_000744.7(CHRNA4):c.228+26A>G

Gene: CHRNA4 (cholinergic receptor nicotinic alpha 4 subunit; minus strand). Cytogenetic location: 20q13.33.
Variant type: single nucleotide variant.
Coding change: c.228+26A>G on transcript NM_000744.7 (MANE Select); 26 bases into the intron after coding-DNA position 228, A replaced by G.
Molecular consequence: intron variant.
Genome position (GRCh38, 1-based): chr20:63,359,522, T>C on the plus strand (A>G on the coding strand, the complement: CHRNA4 is on the minus strand). VCF-style: chr20-63359522-T-C. GRCh37 (hg19) VCF-style: chr20-61990874-T-C.
Other names: c.-319+26A>G (NM_001256573.2).
Identifiers: ClinVar variation 670759 (VCV000670759.6), dbSNP rs6090384, ClinGen allele CA9957929.

ClinVar aggregate classification (germline): Benign. Review status: criteria provided, multiple submitters, no conflicts (2 of 4 stars). 4 submissions from 4 submitters: Benign (4). Last evaluated 2024-07-15.

Conditions:
Autosomal dominant nocturnal frontal lobe epilepsy 1. Also called: EPILEPSY, NOCTURNAL FRONTAL LOBE, TYPE 1; CHRNA4-Related Nocturnal Frontal Lobe Epilepsy, Autosomal Dominant. Identifiers: Orphanet 98784, MedGen C1838049, MONDO:0010899, OMIM 600513.

Allele frequency attached by ClinVar (database versions not stated): ESP Exome Variant Server 0.85494; TOPMed 0.86171; 1000 Genomes Project 30x 0.86727; gnomAD 0.86813 and 0.87455; 1000 Genomes Project 0.87181; ExAC 0.93307; gnomAD exomes 0.93920 and 0.94894.

Submissions (4):

Unidad de Genómica Garrahan, Hospital de Pediatría Garrahan
Classification: Benign. Last evaluated: 2024-07-15. Review status: criteria provided, single submitter. Criteria: ACMG Guidelines, 2015. Collection method: clinical testing. Allele origin: germline. Affected: no. Observed: 93 variant alleles.
Comment: This variant is classified as Benign based on local population frequency. This variant was detected in 100% of patients studied in a panel designed for Epileptic and Developmental Encephalopathy and Progressive Myoclonus Epilepsy. Number of patients: 93. Only high quality variants are reported.

Genome-Nilou Lab
Classification: Benign for Autosomal dominant nocturnal frontal lobe epilepsy 1. Last evaluated: 2021-07-22. Review status: criteria provided, single submitter. Criteria: ACMG Guidelines, 2015. Collection method: clinical testing. Allele origin: germline. Affected: no.

GeneDx
Classification: Benign. Last evaluated: 2018-06-14. Review status: criteria provided, single submitter. Criteria: GeneDx Variant Classification (06012015). Collection method: clinical testing. Allele origin: germline. Affected: yes.
Comment: This variant is considered likely benign or benign based on one or more of the following criteria: it is a conservative change, it occurs at a poorly conserved position in the protein, it is predicted to be benign by multiple in silico algorithms, and/or has population frequency not consistent with disease.

Breakthrough Genomics
Classification: Benign. Review status: criteria provided, single submitter. Criteria: ACMG Guidelines, 2015. Collection method: not provided. Allele origin: germline. Inheritance: Autosomal dominant inheritance. Affected: yes.